The following is an entry in ClinVar:

ClinVar aggregate classification (germline): Uncertain significance. Review status: criteria provided, multiple submitters, no conflicts (2 of 4 stars). 2 submissions from 2 submitters: Uncertain significance (2). Last evaluated 2024-11-20.

Allele frequency attached by ClinVar (database versions not stated): gnomAD 0.00001; TOPMed 0.00001; ExAC 0.00002; gnomAD exomes 0.00002; ESP Exome Variant Server 0.00008.

Submissions (2):

Blueprint Genetics
Classification: Uncertain significance. Last evaluated: 2024-11-20. Review status: criteria provided, single submitter. Criteria: ACMG Guidelines, 2015. Collection method: clinical testing. Allele origin: germline.

Labcorp Genetics (formerly Invitae), Labcorp
Classification: Uncertain significance. Last evaluated: 2023-04-04. Review status: criteria provided, single submitter. Criteria: Invitae Variant Classification Sherloc (09022015). Collection method: clinical testing. Allele origin: germline.
Comment: This sequence change replaces arginine, which is basic and polar, with tryptophan, which is neutral and slightly polar, at codon 68 of the IL2RB protein (p.Arg68Trp). This variant is present in population databases (rs375594279, gnomAD 0.01%). This variant has not been reported in the literature in individuals affected with IL2RB-related conditions. ClinVar contains an entry for this variant (Variation ID: 1520154). Algorithms developed to predict the effect of missense changes on protein structure and function output the following: SIFT: "Not Available"; PolyPhen-2: "Probably Damaging"; Align-GVGD: "Not Available". The tryptophan amino acid residue is found in multiple mammalian species, which suggests that this missense change does not adversely affect protein function. In summary, the available evidence is currently insufficient to determine the role of this variant in disease. Therefore, it has been classified as a Variant of Uncertain Significance.

NM_000878.5(IL2RB):c.202C>T (p.Arg68Trp)

Gene: IL2RB (interleukin 2 receptor subunit beta; minus strand). Cytogenetic location: 22q12.3.
Variant type: single nucleotide variant.
Coding change: c.202C>T on transcript NM_000878.5 (MANE Select); coding-DNA position 202, C replaced by T.
Protein change: p.Arg68Trp; replaces arginine 68 with tryptophan.
Molecular consequence: missense variant.
Genome position (GRCh38, 1-based): chr22:37,143,522, G>A on the plus strand (C>T on the coding strand, the complement: IL2RB is on the minus strand). VCF-style: chr22-37143522-G-A. GRCh37 (hg19) VCF-style: chr22-37539562-G-A.
Other names: c.202C>T, p.Arg68Trp (NM_001346222.1, NM_001346223.2); short protein forms R68W.
Identifiers: ClinVar variation 1520154 (VCV001520154.8), dbSNP rs375594279, ClinGen allele CA10216726.